The following is an entry in ClinVar:

ClinVar aggregate classification (germline): Uncertain significance (1 of 4 stars; one submission).

Submission:

Labcorp Genetics (formerly Invitae), Labcorp
Classification: Uncertain significance. Last evaluated: 2024-04-03. Review status: criteria provided, single submitter. Criteria: Invitae Variant Classification Sherloc (09022015). Collection method: clinical testing. Allele origin: germline.
Comment: This sequence change replaces serine, which is neutral and polar, with proline, which is neutral and non-polar, at codon 724 of the GLIS3 protein (p.Ser724Pro). This variant is not present in population databases (gnomAD no frequency). This variant has not been reported in the literature in individuals affected with GLIS3-related conditions. An algorithm developed to predict the effect of missense changes on protein structure and function (PolyPhen-2) suggests that this variant is likely to be disruptive. In summary, the available evidence is currently insufficient to determine the role of this variant in disease. Therefore, it has been classified as a Variant of Uncertain Significance.

NM_001042413.2(GLIS3):c.2635T>C (p.Ser879Pro)

Gene: GLIS3 (GLIS family zinc finger 3; minus strand). Cytogenetic location: 9p24.2.
Variant type: single nucleotide variant.
Coding change: c.2635T>C on transcript NM_001042413.2 (MANE Select); coding-DNA position 2635, T replaced by C.
Protein change: p.Ser879Pro; replaces serine 879 with proline.
Molecular consequence: missense variant.
Genome position (GRCh38, 1-based): chr9:3,829,331, A>G on the plus strand (T>C on the coding strand, the complement: GLIS3 is on the minus strand). VCF-style: chr9-3829331-A-G. GRCh37 (hg19) VCF-style: chr9-3829331-A-G.
Other names: c.2170T>C, p.Ser724Pro (NM_152629.4); short protein forms S879P, S724P.
Identifiers: ClinVar variation 3648750 (VCV003648750.2).